The following is an entry in ClinVar:

NM_002890.3(RASA1):c.566C>T (p.Thr189Met)

Genes: CCNH (cyclin H; minus strand), RASA1 (RAS p21 protein activator 1; plus strand). Cytogenetic location: 5q14.3.
Variant type: single nucleotide variant.
Coding change: c.566C>T on transcript NM_002890.3 (MANE Select); coding-DNA position 566, C replaced by T.
Protein change: p.Thr189Met; replaces threonine 189 with methionine.
Molecular consequence: missense variant. On other transcripts: intron variant (1).
Genome position (GRCh38, 1-based): chr5:87,331,374, C>T. VCF-style: chr5-87331374-C-T. GRCh37 (hg19) VCF-style: chr5-86627191-C-T.
Other names: c.35C>T, p.Thr12Met (NM_022650.3); c.934-18579G>A (NM_001364075.2); short protein forms T12M, T189M.
Identifiers: ClinVar variation 854888 (VCV000854888.12), dbSNP rs986802785, ClinGen allele CA121817027.

ClinVar aggregate classification (germline): Uncertain significance. Review status: criteria provided, multiple submitters, no conflicts (2 of 4 stars). 2 submissions from 2 submitters: Uncertain significance (2). Last evaluated 2025-12-08.

Conditions:
Capillary malformation-arteriovenous malformation 1 (CMAVM1). Identifiers: Orphanet 137667, Orphanet 693907, MedGen C4747394, MONDO:0020783, OMIM 608354.
Capillary malformation-arteriovenous malformation syndrome. Also called: Capillary malformation-arteriovenous malformation. Identifiers: Orphanet 137667, MedGen C1842180, MONDO:0012016.

Allele frequency attached by ClinVar (database versions not stated): gnomAD 0.00003; TOPMed 0.00004; gnomAD exomes 0.00001.
gnomAD v4.1: 54 of 1,611,684 alleles (0.0034%); highest among the groups gnomAD compares: Non-Finnish European, 0.0039%; no homozygotes.

Submissions (2):

Labcorp Genetics (formerly Invitae), Labcorp
Classification: Uncertain significance for Capillary malformation-arteriovenous malformation syndrome. Last evaluated: 2025-12-08. Review status: criteria provided, single submitter. Criteria: Invitae Variant Classification Sherloc (09022015). Collection method: clinical testing. Allele origin: germline.
Comment: This sequence change replaces threonine, which is neutral and polar, with methionine, which is neutral and non-polar, at codon 189 of the RASA1 protein (p.Thr189Met). This variant is present in population databases (no rsID available, gnomAD 0.01%). This variant has not been reported in the literature in individuals affected with RASA1-related conditions. ClinVar contains an entry for this variant (Variation ID: 854888). An algorithm developed to predict the effect of missense changes on protein structure and function (PolyPhen-2) suggests that this variant is likely to be tolerated. In summary, the available evidence is currently insufficient to determine the role of this variant in disease. Therefore, it has been classified as a Variant of Uncertain Significance.

Revvity Omics, Revvity
Classification: Uncertain significance for Capillary malformation-arteriovenous malformation 1. Last evaluated: 2022-04-01. Review status: criteria provided, single submitter. Criteria: ACMG Guidelines, 2015. Collection method: clinical testing. Allele origin: germline.